The following is an entry in ClinVar:

ClinVar aggregate classification (germline): Uncertain significance (1 of 4 stars; one submission).

Allele frequency attached by ClinVar (database versions not stated): gnomAD exomes below 0.00001; TOPMed below 0.00001; ExAC 0.00001.
gnomAD v4.1: 1 of 1,612,896 alleles (0.000062%); highest among the groups gnomAD compares: Admixed American, 0.0017%; no homozygotes.

Submission:

Labcorp Genetics (formerly Invitae), Labcorp
Classification: Uncertain significance. Last evaluated: 2024-05-06. Review status: criteria provided, single submitter. Criteria: Invitae Variant Classification Sherloc (09022015). Collection method: clinical testing. Allele origin: germline.
Comment: This sequence change replaces phenylalanine, which is neutral and non-polar, with cysteine, which is neutral and slightly polar, at codon 1977 of the DOCK6 protein (p.Phe1977Cys). This variant is present in population databases (rs757153964, gnomAD 0.003%). This variant has not been reported in the literature in individuals affected with DOCK6-related conditions. ClinVar contains an entry for this variant (Variation ID: 1381250). Advanced modeling of protein sequence and biophysical properties (such as structural, functional, and spatial information, amino acid conservation, physicochemical variation, residue mobility, and thermodynamic stability) performed at Invitae indicates that this missense variant is expected to disrupt DOCK6 protein function with a positive predictive value of 80%. In summary, the available evidence is currently insufficient to determine the role of this variant in disease. Therefore, it has been classified as a Variant of Uncertain Significance.

NM_020812.4(DOCK6):c.5930T>G (p.Phe1977Cys)

Gene: DOCK6 (dedicator of cytokinesis 6; minus strand). Cytogenetic location: 19p13.2.
Variant type: single nucleotide variant.
Coding change: c.5930T>G on transcript NM_020812.4 (MANE Select); coding-DNA position 5930, T replaced by G.
Protein change: p.Phe1977Cys; replaces phenylalanine 1977 with cysteine.
Molecular consequence: missense variant.
Genome position (GRCh38, 1-based): chr19:11,200,725, A>C on the plus strand (T>G on the coding strand, the complement: DOCK6 is on the minus strand). VCF-style: chr19-11200725-A-C. GRCh37 (hg19) VCF-style: chr19-11311401-A-C.
Other names: c.6035T>G, p.Phe2012Cys (NM_001367830.1); short protein forms F1977C, F2012C.
Identifiers: ClinVar variation 1381250 (VCV001381250.6), dbSNP rs757153964, ClinGen allele CA9206297.